The following is an entry in ClinVar:

NM_001008537.3(NEXMIF):c.4439CTT[1] (p.Ser1481del)

Gene: NEXMIF (neurite extension and migration factor; minus strand). Cytogenetic location: Xq13.3.
Variant type: Microsatellite.
Coding change: c.4439CTT[1] on transcript NM_001008537.3 (MANE Select); one copy of the 3-base unit CTT starting at c.4439; the reference has two copies in a row; one copy, 3 bases deleted.
Protein change: p.Ser1481del; deletes serine 1481.
Molecular consequence: inframe deletion.
Genome position (GRCh38, 1-based): chrX:74,740,113-74,740,115, AAG deleted on the plus strand (CTT on the coding strand, the reverse complement: NEXMIF is on the minus strand); deleting any 3 consecutive bases within chrX:74,740,113-74,740,118 gives the same sequence; the position shown is the placement nearest the transcript's 3' end. VCF-style (leftmost placement, unchanged base first): chrX-74740112-AAAG-A. GRCh37 (hg19) VCF-style: chrX-73959947-AAAG-A.
Other names: short protein forms S1481del.
Identifiers: ClinVar variation 4086763 (VCV004086763.1).
Genomic context (GRCh38, chrX:74,740,112, plus strand): 5'-TAGGAGAGCTAAGGGTGCATCATCTCAGCCATACTGGTGCAGTATTACCTCAGTTTTTCA[AAAG>A]AAGCTGTCCCAGACTCATCCTTGTGGACCTGTTCTCGCTCCATGTGCTTTCCCTTACATT-3'

ClinVar aggregate classification (germline): Uncertain significance (1 of 4 stars; one submission).

Submission:

GeneDx
Classification: Uncertain significance. Last evaluated: 2025-03-18. Review status: criteria provided, single submitter. Criteria: GeneDx Variant Classification Process June 2021. Collection method: clinical testing. Allele origin: germline. Affected: yes.
Comment: Not observed at significant frequency in large population cohorts (gnomAD); In-frame deletion of 1 amino acid(s) in a non-repeat region; In silico analysis supports a deleterious effect on protein structure/function; Has not been previously published as pathogenic or benign to our knowledge